The following is an entry in ClinVar:

NM_002225.5(IVD):c.1139-3C>G

Gene: IVD (isovaleryl-CoA dehydrogenase; plus strand). Cytogenetic location: 15q15.1.
Variant type: single nucleotide variant.
Coding change: c.1139-3C>G on transcript NM_002225.5 (MANE Select); 3 bases into the intron before coding-DNA position 1139, C replaced by G.
Molecular consequence: intron variant.
Genome position (GRCh38, 1-based): chr15:40,418,127, C>G. VCF-style: chr15-40418127-C-G. GRCh37 (hg19) VCF-style: chr15-40710326-C-G.
Other names: c.1225+1765C>G (NM_001354600.3); c.1138+1765C>G (NM_001354598.3, NM_001354601.3); c.1091-3C>G (NM_001354597.3); c.1226-3C>G (NM_001354599.3); c.1049-3C>G (NM_001159508.3).
Identifiers: ClinVar variation 203783 (VCV000203783.3), dbSNP rs367891946, ClinGen allele CA312653.

ClinVar aggregate classification (germline): Uncertain significance. Review status: criteria provided, single submitter (1 of 4 stars). 2 submissions from 2 submitters: Uncertain significance (1). 1 of the submissions does not count toward it. Last evaluated 2024-08-20.

Conditions:
Isovaleryl-CoA dehydrogenase deficiency (IVA). Also called: Classic Isovaleric Acidemia; IVD DEFICIENCY; ISOVALERIC ACID CoA DEHYDROGENASE DEFICIENCY; Isovaleric acidemia. Identifiers: Orphanet 33, MedGen C0268575, MONDO:0009475, OMIM 243500.

Allele frequency attached by ClinVar (database versions not stated): ESP Exome Variant Server 0.00008; ExAC 0.00001; gnomAD exomes 0.00001; TOPMed 0.00001.
gnomAD v4.1: 1 of 1,614,096 alleles (0.000062%); highest among the groups gnomAD compares: African/African-American, 0.0013%; no homozygotes.

Submissions (2):

Greenwood Genetic Center Diagnostic Laboratories, Greenwood Genetic Center
Classification: Uncertain significance. Last evaluated: 2024-08-20. Review status: criteria provided, single submitter. Criteria: ACMG Guidelines, 2015. Collection method: clinical testing. Allele origin: germline. Affected: yes.
Comment: PM2

Counsyl
Classification: Uncertain significance for Isovaleryl-CoA dehydrogenase deficiency. Last evaluated: 2018-01-12. Review status: no assertion criteria provided. Collection method: clinical testing. Allele origin: unknown. Not counted in ClinVar's aggregate classification.